The following is an entry in ClinVar:

ClinVar aggregate classification (germline): Benign/Likely benign. Review status: criteria provided, multiple submitters, no conflicts (2 of 4 stars). 5 submissions from 5 submitters: Benign (3); Likely benign (2). Last evaluated 2026-09-01.

Conditions:
Seckel syndrome 9 (SCKL9). Identifiers: Orphanet 808, MedGen C4225212, MONDO:0014767, OMIM 616777.

Allele frequency attached by ClinVar (database versions not stated): 1000 Genomes Project 30x 0.00172; 1000 Genomes Project 0.00180; gnomAD 0.00520 and 0.00538; TOPMed 0.00587; ExAC 0.00617; gnomAD exomes 0.00620 and 0.00692; ESP Exome Variant Server 0.00684.
gnomAD v4.1: 10,952 of 1,610,712 alleles (0.68%); highest among the groups gnomAD compares: Middle Eastern, 1.7%; 60 homozygotes.

Submissions (5):

CeGaT Center for Human Genetics Tuebingen
Classification: Likely benign. Last evaluated: 2026-09-01. Review status: criteria provided, single submitter. Criteria: CeGaT Center For Human Genetics Tuebingen Variant Classification Criteria Version 2. Collection method: clinical testing. Allele origin: germline. Affected: yes. Observed: 35 variant alleles.
Comment: TRAIP: BP4, BP7, BS2

Labcorp Genetics (formerly Invitae), Labcorp
Classification: Benign. Last evaluated: 2026-01-23. Review status: criteria provided, single submitter. Criteria: Invitae Variant Classification Sherloc (09022015). Collection method: clinical testing. Allele origin: germline.

Fulgent Genetics
Classification: Likely benign for Seckel syndrome 9. Last evaluated: 2021-09-14. Review status: criteria provided, single submitter. Criteria: ACMG Guidelines, 2015. Collection method: clinical testing. Allele origin: unknown.

Genetic Services Laboratory, University of Chicago
Classification: Benign. Last evaluated: 2021-03-05. Review status: criteria provided, single submitter. Criteria: ACMG Guidelines, 2015. Collection method: clinical testing. Allele origin: germline. Affected: no.

Breakthrough Genomics
Classification: Benign. Review status: criteria provided, single submitter. Criteria: ACMG Guidelines, 2015. Collection method: not provided. Allele origin: germline. Inheritance: Autosomal recessive inheritance. Affected: yes.

NM_005879.3(TRAIP):c.303G>A (p.Gln101=)

Gene: TRAIP (TRAF interacting protein; minus strand). Cytogenetic location: 3p21.31.
Variant type: single nucleotide variant.
Coding change: c.303G>A on transcript NM_005879.3 (MANE Select); coding-DNA position 303, G replaced by A.
Protein change: p.Gln101=; no amino-acid change (glutamine 101 retained).
Molecular consequence: synonymous variant.
Genome position (GRCh38, 1-based): chr3:49,843,906, C>T on the plus strand (G>A on the coding strand, the complement: TRAIP is on the minus strand). VCF-style: chr3-49843906-C-T. GRCh37 (hg19) VCF-style: chr3-49881339-C-T.
Identifiers: ClinVar variation 770702 (VCV000770702.37), dbSNP rs145932323, ClinGen allele CA2407863.